The following is an entry in ClinVar:

NM_032119.4(ADGRV1):c.1086A>G (p.Leu362=)

Gene: ADGRV1 (adhesion G protein-coupled receptor V1; plus strand). Cytogenetic location: 5q14.3.
Variant type: single nucleotide variant.
Coding change: c.1086A>G on transcript NM_032119.4 (MANE Select); coding-DNA position 1086, A replaced by G.
Protein change: p.Leu362=; no amino-acid change (leucine 362 retained).
Molecular consequence: synonymous variant. On other transcripts: non-coding transcript variant (1).
Genome position (GRCh38, 1-based): chr5:90,627,624, A>G. VCF-style: chr5-90627624-A-G. GRCh37 (hg19) VCF-style: chr5-89923441-A-G.
Identifiers: ClinVar variation 158643 (VCV000158643.57), dbSNP rs186639101, ClinGen allele CA172266.
Genomic context (GRCh38, chr5:90,627,624, plus strand): 5'-GAAATTTCAAATAGTTGATGACACCATACCGGAGATTGCTGAATCGTTTCACATTATGTT[A>G]CTAAAAGATACCTTACAGGGAGATGCTGTGCTAATAAGCCCTTCTGTTGTACAAGTCACC-3'
Protein context (NP_115495.3, residues 352-372): PEIAESFHIM[Leu362=]LKDTLQGDAV

ClinVar aggregate classification (germline): Benign/Likely benign. Review status: criteria provided, multiple submitters, no conflicts (2 of 4 stars). 11 submissions from 11 submitters: Benign (4); Likely benign (3). 4 of the submissions do not count toward it. Last evaluated 2026-06-01.

Conditions:
ADGRV1-related disorder. Also called: ADGRV1-related condition; ADGRV1-related disorders.

Allele frequency attached by ClinVar (database versions not stated): gnomAD exomes 0.00223 and 0.00238; ExAC 0.00247; 1000 Genomes Project 0.00040; 1000 Genomes Project 30x 0.00047; gnomAD 0.00126 and 0.00139; TOPMed 0.00162; ESP Exome Variant Server 0.00167.
gnomAD v4.1: 3,467 of 1,613,936 alleles (0.21%); highest among the groups gnomAD compares: South Asian, 0.77%; 15 homozygotes.

Submissions (11):

CeGaT Center for Human Genetics Tuebingen
Classification: Likely benign. Last evaluated: 2026-06-01. Review status: criteria provided, single submitter. Criteria: CeGaT Center For Human Genetics Tuebingen Variant Classification Criteria Version 2. Collection method: clinical testing. Allele origin: germline. Affected: yes. Observed: 6 variant alleles.
Comment: ADGRV1: BP4, BP7, BS2

Labcorp Genetics (formerly Invitae), Labcorp
Classification: Benign. Last evaluated: 2026-01-26. Review status: criteria provided, single submitter. Criteria: Invitae Variant Classification Sherloc (09022015). Collection method: clinical testing. Allele origin: germline.

Blueprint Genetics
Classification: Likely benign. Last evaluated: 2024-11-21. Review status: criteria provided, single submitter. Criteria: ACMG Guidelines, 2015. Collection method: clinical testing. Allele origin: germline.

GeneDx
Classification: Benign. Last evaluated: 2019-01-17. Review status: criteria provided, single submitter. Criteria: GeneDx Variant Classification Process June 2021. Collection method: clinical testing. Allele origin: germline. Affected: yes.

Laboratory for Molecular Medicine, Mass General Brigham Personalized Medicine
Classification: Benign. Last evaluated: 2016-10-18. Review status: criteria provided, single submitter. Criteria: LMM Criteria. Collection method: clinical testing. Allele origin: germline. Observed: 7 variant alleles.
Comment: Leu362Leu in Exon 07 of GPR98: This variant is not expected to have clinical sig nificance because it does not alter an amino acid residue, is not located within the splice consensus sequence, and has been identified in 0.8% (125/16500) of S outh Asian chromosomes by the Exome Aggregation Consortium (ExAC; dbSNP rs186639101).

Eurofins Ntd Llc (ga)
Classification: Benign. Last evaluated: 2015-03-20. Review status: criteria provided, single submitter. Criteria: EGL Classification Definitions 2015. Collection method: clinical testing. Allele origin: germline. Observed: 1 variant allele, 1 heterozygote.

Genetic Services Laboratory, University of Chicago
Classification: Likely benign. Last evaluated: 2013-12-10. Review status: criteria provided, single submitter. Criteria: ACMG Guidelines, 2007. Collection method: clinical testing. Allele origin: germline. Inheritance: Autosomal dominant inheritance.
Comment: Likely benign based on allele frequency in 1000 Genomes Project or ESP global frequency and its presence in a patient with a rare or unrelated disease phenotype. NOT Sanger confirmed

PreventionGenetics, part of Exact Sciences
Classification: Benign for ADGRV1-related condition. Last evaluated: 2019-11-20. Review status: no assertion criteria provided. Collection method: clinical testing. Allele origin: germline. Not counted in ClinVar's aggregate classification.
Comment: This variant is classified as benign based on ACMG/AMP sequence variant interpretation guidelines (Richards et al. 2015 PMID: 25741868, with internal and published modifications).

Clinical Genetics DNA and cytogenetics Diagnostics Lab, Erasmus MC, Erasmus Medical Center
Classification: Likely benign. Review status: no assertion criteria provided. Collection method: clinical testing. Allele origin: germline. Affected: yes. Study: VKGL Data-share Consensus. Not counted in ClinVar's aggregate classification.

Clinical Genetics, Academic Medical Center
Classification: Benign. Review status: no assertion criteria provided. Collection method: clinical testing. Allele origin: germline. Affected: yes. Study: VKGL Data-share Consensus. Not counted in ClinVar's aggregate classification.

Genome Diagnostics Laboratory, University Medical Center Utrecht
Classification: Likely benign. Review status: no assertion criteria provided. Collection method: clinical testing. Allele origin: germline. Affected: yes. Study: VKGL Data-share Consensus. Not counted in ClinVar's aggregate classification.